The following is an entry in ClinVar:

ClinVar aggregate classification (germline): Uncertain significance (1 of 4 stars; one submission).

Conditions:
Inborn genetic diseases. Identifiers: MedGen C0950123, MeSH D030342.

Submission:

Ambry Genetics
Classification: Uncertain significance for Inborn genetic diseases. Last evaluated: 2026-04-13. Review status: criteria provided, single submitter. Criteria: Ambry Variant Classification Scheme 2023. Collection method: clinical testing. Allele origin: germline.
Comment: The p.G215V variant (also known as c.644G>T), located in coding exon 5 of the SBDS gene, results from a G to T substitution at nucleotide position 644. The glycine at codon 215 is replaced by valine, an amino acid with dissimilar properties. This amino acid position is conserved. In addition, this alteration is predicted to be deleterious by in silico analysis. Based on the available evidence, the clinical significance of this variant remains unclear.

NM_016038.4(SBDS):c.644G>T (p.Gly215Val)

Gene: SBDS (SBDS ribosome maturation factor; minus strand). Cytogenetic location: 7q11.21.
Variant type: single nucleotide variant.
Coding change: c.644G>T on transcript NM_016038.4 (MANE Select); coding-DNA position 644, G replaced by T.
Protein change: p.Gly215Val; replaces glycine 215 with valine.
Molecular consequence: missense variant.
Genome position (GRCh38, 1-based): chr7:66,988,480, C>A on the plus strand (G>T on the coding strand, the complement: SBDS is on the minus strand). VCF-style: chr7-66988480-C-A. GRCh37 (hg19) VCF-style: chr7-66453467-C-A.
Other names: short protein forms G215V.
Identifiers: ClinVar variation 4864053 (VCV004864053.1).